The following is an entry in ClinVar:

NM_003072.5(SMARCA4):c.2478C>T (p.Ala826=)

Gene: SMARCA4 (SWI/SNF related BAF chromatin remodeling complex subunit ATPase 4; plus strand). Cytogenetic location: 19p13.2.
Variant type: single nucleotide variant.
Coding change: c.2478C>T on transcript NM_003072.5 (MANE Select); coding-DNA position 2478, C replaced by T.
Protein change: p.Ala826=; no amino-acid change (alanine 826 retained).
Molecular consequence: synonymous variant. On other transcripts: non-coding transcript variant (1).
Genome position (GRCh38, 1-based): chr19:11,018,996, C>T. VCF-style: chr19-11018996-C-T. GRCh37 (hg19) VCF-style: chr19-11129672-C-T.
Other names: c.2478C>T, p.Ala826= (NM_001128844.3, NM_001128845.2, NM_001128846.2 and 5 more transcripts); c.2478C>T (NM_001128849.1).
Identifiers: ClinVar variation 1545059 (VCV001545059.10), dbSNP rs2146360555, ClinGen allele CA505490161.

ClinVar aggregate classification (germline): Benign/Likely benign. Review status: criteria provided, multiple submitters, no conflicts (2 of 4 stars). 3 submissions from 3 submitters: Benign (1); Likely benign (2). Last evaluated 2026-07-13.

Conditions:
Hereditary cancer-predisposing syndrome. Also called: Neoplastic Syndromes, Hereditary; Tumor predisposition; Hereditary Cancer Syndrome; Hereditary neoplastic syndrome. Identifiers: Orphanet 140162, MedGen C0027672, MeSH D009386, MONDO:0015356.
Rhabdoid tumor predisposition syndrome 2 (RTPS2). Identifiers: Orphanet 231108, Orphanet 69077, MedGen C2750074, MONDO:0013224, OMIM 613325.

Submissions (3):

Myriad Genetics, Inc.
Classification: Benign for Rhabdoid tumor predisposition syndrome 2. Last evaluated: 2026-07-13. Review status: criteria provided, single submitter. Criteria: Myriad Autosomal Dominant, Autosomal Recessive and X-Linked Classification Criteria (2023). Collection method: clinical testing. Allele origin: unknown.
Comment: This variant is considered benign. This variant is a silent/synonymous amino acid change and it is not expected to impact splicing.

Labcorp Genetics (formerly Invitae), Labcorp
Classification: Likely benign for Rhabdoid tumor predisposition syndrome 2. Last evaluated: 2025-03-27. Review status: criteria provided, single submitter. Criteria: Invitae Variant Classification Sherloc (09022015). Collection method: clinical testing. Allele origin: germline.

Ambry Genetics
Classification: Likely benign for Hereditary cancer-predisposing syndrome. Last evaluated: 2023-04-14. Review status: criteria provided, single submitter. Criteria: Ambry Variant Classification Scheme 2023. Collection method: clinical testing. Allele origin: germline.